The following is an entry in ClinVar:

ClinVar aggregate classification (germline): Uncertain significance (1 of 4 stars; one submission).

Conditions:
Norman-Roberts syndrome (LIS2). Also called: Lissencephaly 2 (Norman-Roberts type). Identifiers: Orphanet 89844, MedGen C0796089, MONDO:0009760, OMIM 257320.
Familial temporal lobe epilepsy 7. Identifiers: Orphanet 101046, MedGen C4225327, MONDO:0014639, OMIM 616436.

Allele frequency attached by ClinVar (database versions not stated): gnomAD exomes below 0.00001; TOPMed below 0.00001; gnomAD 0.00001.
gnomAD v4.1: 9 of 1,614,024 alleles (0.00056%); highest among the groups gnomAD compares: Non-Finnish European, 0.00068%; no homozygotes.

Submission:

Labcorp Genetics (formerly Invitae), Labcorp
Classification: Uncertain significance for Familial temporal lobe epilepsy 7; Norman-Roberts syndrome. Last evaluated: 2025-07-17. Review status: criteria provided, single submitter. Criteria: Invitae Variant Classification Sherloc (09022015). Collection method: clinical testing. Allele origin: germline.
Comment: This sequence change replaces arginine, which is basic and polar, with histidine, which is basic and polar, at codon 2290 of the RELN protein (p.Arg2290His). This variant is present in population databases (no rsID available, gnomAD 0.0009%). This variant has not been reported in the literature in individuals affected with RELN-related conditions. ClinVar contains an entry for this variant (Variation ID: 948620). Invitae Evidence Modeling of protein sequence and biophysical properties (such as structural, functional, and spatial information, amino acid conservation, physicochemical variation, residue mobility, and thermodynamic stability) indicates that this missense variant is not expected to disrupt RELN protein function with a negative predictive value of 80%. Experimental studies have shown that this missense change affects RELN function (PMID: 28419454). In summary, the available evidence is currently insufficient to determine the role of this variant in disease. Therefore, it has been classified as a Variant of Uncertain Significance.

Literature cited by the submitters: PubMed 28419454.

NM_005045.4(RELN):c.6869G>A (p.Arg2290His)

Gene: RELN (reelin; minus strand). Cytogenetic location: 7q22.1.
Variant type: single nucleotide variant.
Coding change: c.6869G>A on transcript NM_005045.4 (MANE Select); coding-DNA position 6869, G replaced by A.
Protein change: p.Arg2290His; replaces arginine 2290 with histidine.
Molecular consequence: missense variant.
Genome position (GRCh38, 1-based): chr7:103,540,258, C>T on the plus strand (G>A on the coding strand, the complement: RELN is on the minus strand). VCF-style: chr7-103540258-C-T. GRCh37 (hg19) VCF-style: chr7-103180705-C-T.
Other names: c.6869G>A, p.Arg2290His (NM_173054.3); short protein forms R2290H.
Identifiers: ClinVar variation 948620 (VCV000948620.8), dbSNP rs1035646248, ClinGen allele CA163942552.